The following is an entry in ClinVar:

ClinVar aggregate classification (germline): Uncertain significance (1 of 4 stars; one submission).

Conditions:
Inborn genetic diseases. Identifiers: MedGen C0950123, MeSH D030342.

gnomAD v4.1: 1 of 1,610,706 alleles (0.000062%); highest among the groups gnomAD compares: Middle Eastern, 0.017%; no homozygotes.

Submission:

Ambry Genetics
Classification: Uncertain significance for Inborn genetic diseases. Last evaluated: 2026-01-25. Review status: criteria provided, single submitter. Criteria: Ambry Variant Classification Scheme 2023. Collection method: clinical testing. Allele origin: germline.
Comment: The p.V1453F variant (also known as c.4357G>T), located in coding exon 16 of the FANCM gene, results from a G to T substitution at nucleotide position 4357. The valine at codon 1453 is replaced by phenylalanine, an amino acid with highly similar properties. This amino acid position is conserved. In addition, this alteration is predicted to be tolerated by in silico analysis. Based on the available evidence, the clinical significance of this variant remains unclear.

NM_020937.4(FANCM):c.4357G>T (p.Val1453Phe)

Gene: FANCM (FA complementation group M; plus strand). Cytogenetic location: 14q21.2.
Variant type: single nucleotide variant.
Coding change: c.4357G>T on transcript NM_020937.4 (MANE Select); coding-DNA position 4357, G replaced by T.
Protein change: p.Val1453Phe; replaces valine 1453 with phenylalanine.
Molecular consequence: missense variant.
Genome position (GRCh38, 1-based): chr14:45,181,676, G>T. VCF-style: chr14-45181676-G-T. GRCh37 (hg19) VCF-style: chr14-45650879-G-T.
Other names: c.4279G>T, p.Val1427Phe (NM_001308133.2); short protein forms V1453F, V1427F.
Identifiers: ClinVar variation 4844549 (VCV004844549.1).